The following is an entry in ClinVar:

ClinVar aggregate classification (germline): Pathogenic/Likely pathogenic. Review status: criteria provided, multiple submitters, no conflicts (2 of 4 stars). 4 submissions from 4 submitters: Pathogenic (3); Likely pathogenic (1). Last evaluated 2025-07-21.

Conditions:
Hereditary cancer-predisposing syndrome. Also called: Tumor predisposition; Neoplastic Syndromes, Hereditary; Hereditary neoplastic syndrome; Hereditary Cancer Syndrome. Identifiers: Orphanet 140162, MedGen C0027672, MeSH D009386, MONDO:0015356.
Familial melanoma. Also called: Hereditary melanoma; Hereditary cutaneous melanoma. Identifiers: Orphanet 618, MedGen C1512419, MONDO:0018961.

Allele frequency attached by ClinVar (database versions not stated): gnomAD exomes below 0.00001.

Submissions (4):

Ambry Genetics
Classification: Pathogenic for Hereditary cancer-predisposing syndrome. Last evaluated: 2025-07-21. Review status: criteria provided, single submitter. Criteria: Ambry Variant Classification Scheme 2023. Collection method: clinical testing. Allele origin: germline.
Comment: The p.P48T pathogenic mutation (also known as c.142C>A), located in coding exon 1 of the CDKN2A gene, results from a C to A substitution at nucleotide position 142. The proline at codon 48 is replaced by threonine, an amino acid with highly similar properties. This mutation has been identified in multiple Italian and Brazilian individuals with personal and family histories of cutaneous melanoma and/or pancreatic cancer (Moore PS et al. Hum Mutat, 2000 Nov;16:447-8; Foppiani L et al. Eur J Endocrinol, 2008 Mar;158:417-22; Menin C et al. Pigment Cell Melanoma Res, 2011 Aug;24:728-30; Bruno W et al. J Am Acad Dermatol, 2016 Feb;74:325-32; de &Aacute;vila AL et al. Fam Cancer, 2014 Dec;13:645-9; Puig S et al. Genet Med, 2016 07;18:727-36). Functional assays have been consistent in p.P48T showing normal CDK4 and CDK6 binding but abnormal cell cycle growth arrest (Della Torre G et al. Br J Cancer, 2001 Sep;85:836-44; Miller PJ et al. Hum Mutat, 2011 Aug;32:900-11). This variant is considered to be rare based on population cohorts in the Genome Aggregation Database (gnomAD). This amino acid position is not well conserved in available vertebrate species. In addition, this alteration is predicted to be deleterious by in silico analysis. Based on the supporting evidence, this alteration is interpreted as a disease-causing mutation.

Labcorp Genetics (formerly Invitae), Labcorp
Classification: Pathogenic for Familial melanoma. Last evaluated: 2024-03-25. Review status: criteria provided, single submitter. Criteria: Invitae Variant Classification Sherloc (09022015). Collection method: clinical testing. Allele origin: germline.
Comment: This sequence change replaces proline, which is neutral and non-polar, with threonine, which is neutral and polar, at codon 48 of the CDKN2A (p16INK4a) protein (p.Pro48Thr). This variant is not present in population databases (gnomAD no frequency). This missense change has been observed in individual(s) with clinical features of familial atypical multiple mole melanoma syndrome (PMID: 11058911, 11556834, 17625456, 28830827). It has also been observed to segregate with disease in related individuals. ClinVar contains an entry for this variant (Variation ID: 188286). An algorithm developed to predict the effect of missense changes on protein structure and function (PolyPhen-2) suggests that this variant is likely to be disruptive. Experimental studies are conflicting or provide insufficient evidence to determine the effect of this variant on CDKN2A (p16INK4a) function (PMID: 11556834). This variant disrupts the p.Pro48 amino acid residue in CDKN2A (p16INK4a). Other variant(s) that disrupt this residue have been determined to be pathogenic (PMID: 9168184, 10338331, 10491434, 21462282). This suggests that this residue is clinically significant, and that variants that disrupt this residue are likely to be disease-causing. For these reasons, this variant has been classified as Pathogenic.

Color Diagnostics, LLC DBA Color Health
Classification: Likely pathogenic for Hereditary cancer-predisposing syndrome. Last evaluated: 2022-05-06. Review status: criteria provided, single submitter. Criteria: ACMG Guidelines, 2015. Collection method: clinical testing. Allele origin: germline.
Comment: The CDKN2A locus encodes two different gene products, p16INK4a and p14ARF. This missense variant replaces proline with threonine at codon 48 of the CDKN2A (p16INK4A) protein. Computational prediction is inconclusive regarding the impact of this variant on protein structure and function (internally defined REVEL score threshold 0.5 < inconclusive < 0.7, PMID: 27666373). A functional study has shown the mutant protein to exhibit normal ability to interact with CDK4 and CDK6 protein but show mildly impaired ability to control cell cycle (PMID: 11556834). This variant has been reported in over twenty individuals and families affected with melanoma (PMID: 11058911, 11556834, 11556834, 16470311, 17625456, 18299477, 18363633, 21672182, 21893440, 22841127, 25023876, 26775776, 30274933, 34664323). In one family, this variant segregated with melanoma in 6 of 12 carriers ; unaffected carriers in this family ranged in age from 23 to 50 years (PMID: 11556834). This variant has also been observed in an individual affected with pancreatic cancer with a first-degree relative also affected with pancreatic cancer (PMID: 11058911). This variant has not been identified in the general population by the Genome Aggregation Database (gnomAD). While the variant impact on gene function is not clearly understood, the available clinical evidence indicate that this variant is associated with disease. Therefore, this variant is classified as Likely Pathogenic.

Illumina Laboratory Services, Illumina
Classification: Pathogenic for Hereditary cancer-predisposing syndrome. Last evaluated: 2020-04-09. Review status: criteria provided, single submitter. Criteria: ICSLVariantClassificationCriteria RUGD 01 April 2020. Collection method: clinical testing. Allele origin: unknown.
Comment: The CDKN2A c.142C>A p.(Pro48Thr) missense variant has been identified in multiple individuals and families with different cancer phenotypes (Moore et al. (2000); Della Torre et al. (2001); Széll et al. (2007; de Avila et al. (2014); Dalmasso et al. (2019)) This variant is not observed in version 2.1.1 of the Genome Aggregation Database. Functional studies by Della Torre et al. (2001) revealed that while the p.(Pro48Thr) variant did not affect binding to CDK4 or CDK6, the variant protein displayed a diminished ability to inhibit cell growth as compared to wild type when expressed in human fibroblasts. The authors also indicate that the variant may cause a defect in the arrest of the cell cycle. Moore et al. (2000) suggest that the p.(Pro48Thr) variant, which occurs in the first four-residue helix of the second ankyrin repeat, may alter the protein's structure or binding properties. Della Torre et al. (2001) note that this region of the protein is important for inhibitory activity. Two additional variants occurring at the same amino acid, p.(Pro48Leu) and p.(Pro48Arg), have been reported in individuals with cancer phenotypes (Platz et al. (1997); Debniak et al. 2008). Based on the collective evidence the c.142C>A p.(Pro48Thr) variant is classified as pathogenic for CDKN2A-related cancer susceptibility.

Literature cited by the submitters: PubMed 11058911 (cited by 3 submitters); PubMed 11556834 (cited by 3 submitters); PubMed 17625456 (cited by 3 submitters); PubMed 18299477 (cited by Ambry Genetics and Color Diagnostics, LLC DBA Color Health); PubMed 21462282 (cited by Ambry Genetics and Labcorp Genetics (formerly Invitae), Labcorp); PubMed 21672182 (cited by Ambry Genetics and Color Diagnostics, LLC DBA Color Health); PubMed 25023876 (cited by Ambry Genetics and Color Diagnostics, LLC DBA Color Health); PubMed 26681309 (cited by Ambry Genetics); PubMed 26775776 (cited by Ambry Genetics and Color Diagnostics, LLC DBA Color Health); PubMed 28830827 (cited by Labcorp Genetics (formerly Invitae), Labcorp); PubMed 9168184 (cited by Labcorp Genetics (formerly Invitae), Labcorp); PubMed 10338331 (cited by Labcorp Genetics (formerly Invitae), Labcorp); PubMed 10491434 (cited by Labcorp Genetics (formerly Invitae), Labcorp); PubMed 16470311 (cited by Color Diagnostics, LLC DBA Color Health); PubMed 18363633 (cited by Color Diagnostics, LLC DBA Color Health); PubMed 21893440 (cited by Color Diagnostics, LLC DBA Color Health); PubMed 22841127 (cited by Color Diagnostics, LLC DBA Color Health); PubMed 30274933 (cited by Color Diagnostics, LLC DBA Color Health); PubMed 34664323 (cited by Color Diagnostics, LLC DBA Color Health).

NM_000077.5(CDKN2A):c.142C>A (p.Pro48Thr)

Gene: CDKN2A (cyclin dependent kinase inhibitor 2A; minus strand). Cytogenetic location: 9p21.3.
Variant type: single nucleotide variant.
Coding change: c.142C>A on transcript NM_000077.5; coding-DNA position 142, C replaced by A.
Protein change: p.Pro48Thr; replaces proline 48 with threonine.
Molecular consequence: missense variant (on NM_000077.6). On other transcripts: intron variant (2).
Genome position (GRCh38, 1-based): chr9:21,974,686, G>T on the plus strand (C>A on the coding strand, the complement: CDKN2A is on the minus strand). VCF-style: chr9-21974686-G-T. GRCh37 (hg19) VCF-style: chr9-21974685-G-T.
Other names: c.142C>A, p.Pro48Thr (NM_000077.6, NM_001195132.2, NM_058197.5); c.-3-3478C>A (NM_001363763.2); c.194-3478C>A (NM_058195.4); short protein forms P48T.
Identifiers: ClinVar variation 188286 (VCV000188286.15), dbSNP rs786204195, ClinGen allele CA334526.